The following is an entry in ClinVar:

ClinVar aggregate classification (germline): Uncertain significance (1 of 4 stars; one submission).

Submission:

Labcorp Genetics (formerly Invitae), Labcorp
Classification: Uncertain significance. Last evaluated: 2023-07-14. Review status: criteria provided, single submitter. Criteria: Invitae Variant Classification Sherloc (09022015). Collection method: clinical testing. Allele origin: germline.
Comment: In summary, the available evidence is currently insufficient to determine the role of this variant in disease. Therefore, it has been classified as a Variant of Uncertain Significance. An algorithm developed to predict the effect of missense changes on protein structure and function (PolyPhen-2) suggests that this variant is likely to be disruptive. ClinVar contains an entry for this variant (Variation ID: 1485041). This variant has not been reported in the literature in individuals affected with RUSC2-related conditions. This variant is not present in population databases (gnomAD no frequency). This sequence change replaces leucine, which is neutral and non-polar, with phenylalanine, which is neutral and non-polar, at codon 719 of the RUSC2 protein (p.Leu719Phe).

NM_014806.5(RUSC2):c.2155C>T (p.Leu719Phe)

Gene: RUSC2 (RUN and SH3 domain containing 2; plus strand). Cytogenetic location: 9p13.3.
Variant type: single nucleotide variant.
Coding change: c.2155C>T on transcript NM_014806.5 (MANE Select); coding-DNA position 2155, C replaced by T.
Protein change: p.Leu719Phe; replaces leucine 719 with phenylalanine.
Molecular consequence: missense variant. On other transcripts: 5 prime UTR variant (1), non-coding transcript variant (1).
Genome position (GRCh38, 1-based): chr9:35,555,200, C>T. VCF-style: chr9-35555200-C-T. GRCh37 (hg19) VCF-style: chr9-35555197-C-T.
Other names: c.2155C>T, p.Leu719Phe (NM_001135999.2); c.-480C>T (NM_001330740.2); short protein forms L719F.
Identifiers: ClinVar variation 1485041 (VCV001485041.8), dbSNP rs777751717, ClinGen allele CA373339896.